The following is an entry in ClinVar:

NM_001378454.1(ALMS1):c.8182A>C (p.Asn2728His)

Gene: ALMS1 (ALMS1 centrosome and basal body associated protein; plus strand). Cytogenetic location: 2p13.1.
Variant type: single nucleotide variant.
Coding change: c.8182A>C on transcript NM_001378454.1 (MANE Select); coding-DNA position 8182, A replaced by C.
Protein change: p.Asn2728His; replaces asparagine 2728 with histidine.
Molecular consequence: missense variant.
Genome position (GRCh38, 1-based): chr2:73,490,141, A>C. VCF-style: chr2-73490141-A-C. GRCh37 (hg19) VCF-style: chr2-73717268-A-C.
Other names: c.8185A>C, p.Asn2729His (NM_015120.4); short protein forms N2729H, N2728H.
Identifiers: ClinVar variation 1762325 (VCV001762325.2), dbSNP rs2466214627, ClinGen allele CA347267780.

ClinVar aggregate classification (germline): Uncertain significance (1 of 4 stars; one submission).

Conditions:
Cardiovascular phenotype. Identifiers: MedGen CN230736.

Submission:

Ambry Genetics
Classification: Uncertain significance for Cardiovascular phenotype. Last evaluated: 2019-03-01. Review status: criteria provided, single submitter. Criteria: Ambry Variant Classification Scheme 2023. Collection method: clinical testing. Allele origin: germline.
Comment: The p.N2729H variant (also known as c.8185A>C), located in coding exon 10 of the ALMS1 gene, results from an A to C substitution at nucleotide position 8185. The asparagine at codon 2729 is replaced by histidine, an amino acid with similar properties. This amino acid position is poorly conserved in available vertebrate species. In addition, this alteration is predicted to be tolerated by in silico analysis. Since supporting evidence is limited at this time, the clinical significance of this alteration remains unclear.